The following is an entry in ClinVar:

NM_000146.4(FTL):c.-151A>G

Gene: FTL (ferritin light chain; plus strand). Cytogenetic location: 19q13.33.
Variant type: single nucleotide variant.
Coding change: c.-151A>G on transcript NM_000146.4 (MANE Select); 151 bases upstream of the start codon, A replaced by G.
Molecular consequence: 5 prime UTR variant.
Genome position (GRCh38, 1-based): chr19:48,965,357, A>G. VCF-style: chr19-48965357-A-G. GRCh37 (hg19) VCF-style: chr19-49468614-A-G.
Identifiers: ClinVar variation 2197338 (VCV002197338.4), dbSNP rs2513694164, ClinGen allele CA2580097495.

ClinVar aggregate classification (germline): Pathogenic (1 of 4 stars; one submission).

Conditions:
Hereditary hyperferritinemia with congenital cataracts. Also called: HYPERFERRITINEMIA WITH OR WITHOUT CATARACT; Hereditary hyperferritinemia cataract syndrome; Bonneau-Beaumont syndrome. Identifiers: Orphanet 163, MedGen C1833213, MONDO:0010952, OMIM 600886.
Neuroferritinopathy (NBIA3). Also called: NEURODEGENERATION WITH BRAIN IRON ACCUMULATION 3; BASAL GANGLIA DISEASE, ADULT-ONSET. Identifiers: Orphanet 157846, MedGen C1853578, MONDO:0011638, OMIM 606159.

Submission:

Labcorp Genetics (formerly Invitae), Labcorp
Classification: Pathogenic for Neuroferritinopathy; Hereditary hyperferritinemia with congenital cataracts. Last evaluated: 2024-07-24. Review status: criteria provided, single submitter. Criteria: Invitae Variant Classification Sherloc (09022015). Collection method: clinical testing. Allele origin: germline.
Comment: This variant occurs in a non-coding region of the FTL gene. It does not change the encoded amino acid sequence of the FTL protein. This variant is not present in population databases (gnomAD no frequency). This variant has been observed in individual(s) with clinical features hyperferritinemia-cataract syndrome and/or hyperferritinemia-cataract syndrome (PMID: 29269865; Invitae). In at least one individual the variant was observed to be de novo. It has also been observed to segregate with disease in related individuals. This variant is also known as Ghent +49A>G. ClinVar contains an entry for this variant (Variation ID: 2197338). Algorithms developed to predict the effect of variants on gene product structure and function are not available or were not evaluated for this variant. Experimental studies have shown that this variant affects FTL function (PMID: 29269865). For these reasons, this variant has been classified as Pathogenic.

Literature cited by the submitters: PubMed 29269865.